The following is an entry in ClinVar:

NM_001286611.2(REPS1):c.1526T>G (p.Val509Gly)

Gene: REPS1 (RALBP1 associated Eps domain containing 1; minus strand). Cytogenetic location: 6q24.1.
Variant type: single nucleotide variant.
Coding change: c.1526T>G on transcript NM_001286611.2 (MANE Select); coding-DNA position 1526, T replaced by G.
Protein change: p.Val509Gly; replaces valine 509 with glycine.
Molecular consequence: missense variant.
Genome position (GRCh38, 1-based): chr6:138,920,217, A>C on the plus strand (T>G on the coding strand, the complement: REPS1 is on the minus strand). VCF-style: chr6-138920217-A-C. GRCh37 (hg19) VCF-style: chr6-139241354-A-C.
Other names: c.1445T>G, p.Val482Gly (NM_001128617.3, NM_001286612.2); c.1526T>G, p.Val509Gly (NM_031922.5); short protein forms V482G, V509G.
Identifiers: ClinVar variation 4693261 (VCV004693261.1).

ClinVar aggregate classification (germline): Uncertain significance (1 of 4 stars; one submission).

gnomAD v4.1: 3 of 1,475,612 alleles (0.0002%); highest among the groups gnomAD compares: Admixed American, 0.005%; no homozygotes.

Submission:

Labcorp Genetics (formerly Invitae), Labcorp
Classification: Uncertain significance. Last evaluated: 2025-08-16. Review status: criteria provided, single submitter. Criteria: Invitae Variant Classification Sherloc (09022015). Collection method: clinical testing. Allele origin: germline.
Comment: This sequence change replaces valine, which is neutral and non-polar, with glycine, which is neutral and non-polar, at codon 509 of the REPS1 protein (p.Val509Gly). This variant is present in population databases (no rsID available, gnomAD 0.009%). This variant has not been reported in the literature in individuals affected with REPS1-related conditions. An algorithm developed to predict the effect of missense changes on protein structure and function (PolyPhen-2) suggests that this variant is likely to be tolerated. In summary, the available evidence is currently insufficient to determine the role of this variant in disease. Therefore, it has been classified as a Variant of Uncertain Significance.